The following is an entry in ClinVar:

ClinVar aggregate classification (germline): Uncertain significance (1 of 4 stars; one submission).

gnomAD v4.1: 1 of 1,614,106 alleles (0.000062%); highest among the groups gnomAD compares: South Asian, 0.0011%; no homozygotes.

Submission:

GeneDx
Classification: Uncertain significance. Last evaluated: 2026-03-18. Review status: criteria provided, single submitter. Criteria: GeneDx Variant Classification Process June 2021. Collection method: clinical testing. Allele origin: germline.
Comment: Not observed at significant frequency in large population cohorts (gnomAD); In silico analysis suggests that this missense variant does not alter protein structure/function; Has not been previously published as pathogenic or benign to our knowledge

NM_145199.3(LIPT1):c.586C>T (p.Pro196Ser)

Genes: LIPT1 (lipoyltransferase 1; plus strand), MITD1 (microtubule interacting and trafficking domain containing 1; minus strand). Cytogenetic location: 2q11.2.
Variant type: single nucleotide variant.
Coding change: c.586C>T on transcript NM_145199.3 (MANE Select); coding-DNA position 586, C replaced by T.
Protein change: p.Pro196Ser; replaces proline 196 with serine.
Molecular consequence: missense variant. On other transcripts: non-coding transcript variant (2).
Genome position (GRCh38, 1-based): chr2:99,162,543, C>T. VCF-style: chr2-99162543-C-T. GRCh37 (hg19) VCF-style: chr2-99779006-C-T.
Other names: c.586C>T, p.Pro196Ser (NM_001204830.2, NM_015929.4, NM_145197.3 and 1 more transcripts); short protein forms P196S.
Identifiers: ClinVar variation 5008834 (VCV005008834.1).
Genomic context (GRCh38, chr2:99,162,543, plus strand): 5'-CACCATTGCACTTTATTATGTAGTACTGATGGGACGTTCTTGTCTTCTTTGCTAAAGAGC[C>T]CTTACCAAGGGATCAGGAGCAATGCCACTGCTAGCATACCTTCCTTAGTGAAAAATCTTT-3'
Protein context (NP_660200.1, residues 186-206): GTFLSSLLKS[Pro196Ser]YQGIRSNATA